The following is an entry in ClinVar:

ClinVar aggregate classification (germline): Uncertain significance (1 of 4 stars; one submission).

Conditions:
Inborn genetic diseases. Identifiers: MedGen C0950123, MeSH D030342.

gnomAD v4.1: 8 of 1,613,278 alleles (0.0005%); highest among the groups gnomAD compares: African/African-American, 0.0013%; no homozygotes.

Submission:

Ambry Genetics
Classification: Uncertain significance for Inborn genetic diseases. Last evaluated: 2026-02-24. Review status: criteria provided, single submitter. Criteria: Ambry Variant Classification Scheme 2023. Collection method: clinical testing. Allele origin: germline.
Comment: The c.289G>A (p.G97R) alteration is located in exon 4 (coding exon 4) of the ATP11A gene. This alteration results from a G to A substitution at nucleotide position 289, causing the glycine (G) at amino acid position 97 to be replaced by an arginine (R). Based on data from gnomAD, the A allele has an overall frequency of <0.001% (1/251180) total alleles studied. The highest observed frequency was 0.001% (1/113680) of European (non-Finnish) alleles. Based on insufficient or conflicting evidence, the clinical significance of this alteration remains unclear.

NM_015205.3(ATP11A):c.289G>A (p.Gly97Arg)

Gene: ATP11A (ATPase phospholipid transporting 11A; plus strand). Cytogenetic location: 13q34.
Variant type: single nucleotide variant.
Coding change: c.289G>A on transcript NM_015205.3 (MANE Select); coding-DNA position 289, G replaced by A.
Protein change: p.Gly97Arg; replaces glycine 97 with arginine.
Molecular consequence: missense variant.
Genome position (GRCh38, 1-based): chr13:112,806,249, G>A. VCF-style: chr13-112806249-G-A. GRCh37 (hg19) VCF-style: chr13-113460563-G-A.
Other names: c.289G>A, p.Gly97Arg (NM_001405661.1, NM_001405662.1, NM_001405663.1 and 1 more transcripts); short protein forms G97R.
Identifiers: ClinVar variation 4840346 (VCV004840346.1).